The following is an entry in ClinVar:

ClinVar aggregate classification (germline): Uncertain significance. Review status: criteria provided, multiple submitters, no conflicts (2 of 4 stars). 2 submissions from 2 submitters: Uncertain significance (2). Last evaluated 2024-11-20.

Submissions (2):

Women's Health and Genetics/Laboratory Corporation of America, LabCorp
Classification: Uncertain significance. Last evaluated: 2024-11-20. Review status: criteria provided, single submitter. Criteria: LabCorp Variant Classification Summary - May 2015. Collection method: clinical testing. Allele origin: germline.
Comment: Variant summary: POLH c.522G>T (p.Trp174Cys) results in a non-conservative amino acid change in the encoded protein sequence. Four of five in-silico tools predict a damaging effect of the variant on protein function. The variant was absent in 251474 control chromosomes. c.522G>T has been reported in the literature in at least one homozygous individual affected with Xeroderma Pigmentosum (Inui_2008). These data indicate that the variant may be associated with disease. To our knowledge, no experimental evidence demonstrating an impact on protein function has been reported. The following publication has been ascertained in the context of this evaluation (PMID: 18368133). No submitters have cited clinical-significance assessments for this variant to ClinVar. Based on the evidence outlined above, the variant was classified as VUS-possibly pathogenic.

Blueprint Genetics
Classification: Uncertain significance. Last evaluated: 2024-06-18. Review status: criteria provided, single submitter. Criteria: ACMG Guidelines, 2015. Collection method: clinical testing. Allele origin: germline.

Literature cited by the submitters: PubMed 18368133 (cited by Women's Health and Genetics/Laboratory Corporation of America, LabCorp).

NM_006502.3(POLH):c.522G>T (p.Trp174Cys)

Gene: POLH (DNA polymerase eta; plus strand). Cytogenetic location: 6p21.1.
Variant type: single nucleotide variant.
Coding change: c.522G>T on transcript NM_006502.3 (MANE Select); coding-DNA position 522, G replaced by T.
Protein change: p.Trp174Cys; replaces tryptophan 174 with cysteine.
Molecular consequence: missense variant.
Genome position (GRCh38, 1-based): chr6:43,597,727, G>T. VCF-style: chr6-43597727-G-T. GRCh37 (hg19) VCF-style: chr6-43565464-G-T.
Other names: c.150G>T, p.Trp50Cys (NM_001291969.2); c.522G>T, p.Trp174Cys (NM_001291970.2); short protein forms W174C, W50C.
Identifiers: ClinVar variation 3629958 (VCV003629958.2).